The following is an entry in ClinVar:

NM_206933.4(USH2A):c.9958+4171T>C

Gene: USH2A (usherin; minus strand). Cytogenetic location: 1q41.
Variant type: single nucleotide variant.
Coding change: c.9958+4171T>C on transcript NM_206933.4 (MANE Select); 4171 bases into the intron after coding-DNA position 9958, T replaced by C.
Molecular consequence: intron variant.
Genome position (GRCh38, 1-based): chr1:215,794,736, A>G on the plus strand (T>C on the coding strand, the complement: USH2A is on the minus strand). VCF-style: chr1-215794736-A-G. GRCh37 (hg19) VCF-style: chr1-215968078-A-G.
Identifiers: ClinVar variation 671597 (VCV000671597.1), dbSNP rs10746458, ClinGen allele CA10751680.

ClinVar aggregate classification (germline): Benign (1 of 4 stars; one submission).

Allele frequency attached by ClinVar (database versions not stated): gnomAD 0.60195 and 0.60755; TOPMed 0.61113; 1000 Genomes Project 30x 0.61587; 1000 Genomes Project 0.61801.
gnomAD v4.1: 91,500 of 152,040 alleles (60%); highest among the groups gnomAD compares: African/African-American, 76%; 28,378 homozygotes.

Submission:

GeneDx
Classification: Benign. Last evaluated: 2018-06-14. Review status: criteria provided, single submitter. Criteria: GeneDx Variant Classification (06012015). Collection method: clinical testing. Allele origin: germline. Affected: yes.
Comment: This variant is considered likely benign or benign based on one or more of the following criteria: it is a conservative change, it occurs at a poorly conserved position in the protein, it is predicted to be benign by multiple in silico algorithms, and/or has population frequency not consistent with disease.